The following is an entry in ClinVar:

ClinVar aggregate classification (germline): Benign. Review status: criteria provided, multiple submitters, no conflicts (2 of 4 stars). 6 submissions from 6 submitters: Benign (4). 2 of the submissions do not count toward it. Last evaluated 2026-02-03.

Conditions:
Cortical dysplasia-focal epilepsy syndrome (PTHSL1). Also called: Pitt-Hopkins-like syndrome 1. Identifiers: Orphanet 163681, Orphanet 221150, MedGen C2750246, MONDO:0012400, OMIM 610042.

Allele frequency attached by ClinVar (database versions not stated): gnomAD exomes 0.00172 and 0.00477; ExAC 0.00597; gnomAD 0.01758 and 0.01899; 1000 Genomes Project 0.01797; ESP Exome Variant Server 0.01861; TOPMed 0.02019; 1000 Genomes Project 30x 0.02061.
gnomAD v4.1: 5,311 of 1,613,030 alleles (0.33%); highest among the groups gnomAD compares: African/African-American, 6.2%; 134 homozygotes.

Submissions (6):

Labcorp Genetics (formerly Invitae), Labcorp
Classification: Benign for Cortical dysplasia-focal epilepsy syndrome. Last evaluated: 2026-02-03. Review status: criteria provided, single submitter. Criteria: Invitae Variant Classification Sherloc (09022015). Collection method: clinical testing. Allele origin: germline.

Genetic Services Laboratory, University of Chicago
Classification: Benign for AllHighlyPenetrant. Last evaluated: 2013-09-10. Review status: criteria provided, single submitter. Criteria: ACMG Guidelines, 2007. Collection method: clinical testing. Allele origin: germline. Inheritance: Autosomal recessive inheritance.

GeneDx
Classification: Benign. Last evaluated: 2012-05-24. Review status: criteria provided, single submitter. Criteria: GeneDx Variant Classification (06012015). Collection method: clinical testing. Allele origin: germline. Affected: yes.
Comment: This variant is considered likely benign or benign based on one or more of the following criteria: it is a conservative change, it occurs at a poorly conserved position in the protein, it is predicted to be benign by multiple in silico algorithms, and/or has population frequency not consistent with disease.

PreventionGenetics, part of Exact Sciences
Classification: Benign. Review status: criteria provided, single submitter. Criteria: ACMG Guidelines, 2015. Collection method: clinical testing. Allele origin: germline.

Clinical Genetics DNA and cytogenetics Diagnostics Lab, Erasmus MC, Erasmus Medical Center
Classification: Benign. Review status: no assertion criteria provided. Collection method: clinical testing. Allele origin: germline. Affected: yes. Study: VKGL Data-share Consensus. Not counted in ClinVar's aggregate classification.

Genome Diagnostics Laboratory, University Medical Center Utrecht
Classification: Benign. Review status: no assertion criteria provided. Collection method: clinical testing. Allele origin: germline. Affected: yes. Study: VKGL Data-share Consensus. Not counted in ClinVar's aggregate classification.

NM_014141.6(CNTNAP2):c.3797-6C>T

Gene: CNTNAP2 (contactin associated protein 2; plus strand). Cytogenetic location: 7q36.1.
Variant type: single nucleotide variant.
Coding change: c.3797-6C>T on transcript NM_014141.6 (MANE Select); 6 bases into the intron before coding-DNA position 3797, C replaced by T.
Molecular consequence: intron variant.
Genome position (GRCh38, 1-based): chr7:148,415,411, C>T. VCF-style: chr7-148415411-C-T. GRCh37 (hg19) VCF-style: chr7-148112503-C-T.
Identifiers: ClinVar variation 128807 (VCV000128807.26), dbSNP rs79777576, ClinGen allele CA288761.
Genomic context (GRCh38, chr7:148,415,411, plus strand): 5'-TGGGGACAGTGTTGGAGGGACTCCCAAGCCCTGTCTAACCTCTCGTGCTTCTCCTTTCTC[C>T]GTCAGGCGTCATTGCTGTGGTGATTTTCACCATCCTGTGCACCCTGGTCTTCCTGATCCG-3'